The following is an entry in ClinVar:

ClinVar aggregate classification (germline): Uncertain significance (1 of 4 stars; one submission).

Conditions:
Primary dilated cardiomyopathy (DCM). Also called: Dilated Cardiomyopathy. Identifiers: Orphanet 217604, MedGen C0007193, MeSH D002311, MONDO:0005021, HP:0001644. Inheritance: Various modes of inheritance.

Allele frequency attached by ClinVar (database versions not stated): gnomAD exomes below 0.00001.
gnomAD v4.1: 1 of 1,613,406 alleles (0.000062%); highest among the groups gnomAD compares: Non-Finnish European, 0.000085%; no homozygotes.

Submission:

All of Us Research Program, National Institutes of Health
Classification: Uncertain significance for Primary dilated cardiomyopathy. Last evaluated: 2023-02-24. Review status: criteria provided, single submitter. Criteria: ACMG Guidelines, 2015. Collection method: clinical testing. Allele origin: germline. Inheritance: Autosomal dominant inheritance. Observed: 1 variant allele, 1 heterozygote.
Comment: This missense variant replaces serine with tyrosine at codon 615 of the LMNA protein. Computational prediction suggests that this variant may not impact protein structure and function (internally defined REVEL score threshold <= 0.5, PMID: 27666373). To our knowledge, functional studies have not been reported for this variant. This variant has not been reported in individuals affected with LMNA-related disorders in the literature. This variant has not been identified in the general population by the Genome Aggregation Database (gnomAD). The available evidence is insufficient to determine the role of this variant in disease conclusively. Therefore, this variant is classified as a Variant of Uncertain Significance.

This study involves interpretation of variants in research participants for the purpose of population health screening. Participant phenotype was not available at the time of variant classification. Additional details can be found in publication PMID: 35346344, PMCID: PMC8962531

NM_170707.4(LMNA):c.1844C>A (p.Ser615Tyr)

Gene: LMNA (lamin A/C; plus strand). Cytogenetic location: 1q22.
Variant type: single nucleotide variant.
Coding change: c.1844C>A on transcript NM_170707.4 (MANE Select); coding-DNA position 1844, C replaced by A.
Protein change: p.Ser615Tyr; replaces serine 615 with tyrosine.
Molecular consequence: missense variant. On other transcripts: intron variant (1).
Genome position (GRCh38, 1-based): chr1:156,138,633, C>A. VCF-style: chr1-156138633-C-A. GRCh37 (hg19) VCF-style: chr1-156108424-C-A.
Other names: c.1508C>A, p.Ser503Tyr (NM_001257374.3, NM_001406989.1); c.1844C>A, p.Ser615Tyr (NM_001406983.1, NM_001406985.1, NM_001406991.1); c.1601C>A, p.Ser534Tyr (NM_001406986.1, NM_001406987.1); c.1547C>A, p.Ser516Tyr (NM_001406988.1); c.1286C>A, p.Ser429Tyr (NM_001406990.1, NM_001406993.1, NM_001406995.1 and 2 more transcripts); c.1220C>A, p.Ser407Tyr (NM_001406994.1, NM_001406999.1, NM_001407000.1 and 1 more transcripts); c.1754C>A, p.Ser585Tyr (NM_170708.4); c.1818+26C>A (NM_001282626.2); short protein forms S407Y, S429Y, S503Y, S516Y, S534Y, S585Y, S615Y.
Identifiers: ClinVar variation 3069627 (VCV003069627.1), dbSNP rs879253982, ClinGen allele CA342827281.